The following is an entry in ClinVar:

NM_015272.5(RPGRIP1L):c.1132del (p.Trp378fs)

Gene: RPGRIP1L (RPGRIP1 like; minus strand). Cytogenetic location: 16q12.2.
Variant type: Deletion.
Coding change: c.1132del on transcript NM_015272.5 (MANE Select); coding-DNA position 1132, one base deleted (T; older notation c.1132delT).
Protein change: p.Trp378fs; shifts the reading frame from tryptophan 378.
Molecular consequence: frameshift variant.
Genome position (GRCh38, 1-based): chr16:53,664,981, A deleted on the plus strand (T on the coding strand, the reverse complement: RPGRIP1L is on the minus strand). VCF-style (leftmost placement, unchanged base first): chr16-53664980-CA-C. GRCh37 (hg19) VCF-style: chr16-53698892-CA-C.
Other names: c.1132del, p.Trp378fs (NM_001127897.4, NM_001308334.3, NM_001330538.2); short protein forms W378fs.
Identifiers: ClinVar variation 217692 (VCV000217692.4), dbSNP rs863225217, ClinGen allele CA279528.

ClinVar aggregate classification (germline): Pathogenic. Review status: criteria provided, multiple submitters, no conflicts (2 of 4 stars). 2 submissions from 2 submitters: Pathogenic (2). Last evaluated 2023-10-06.

Conditions:
Meckel-Gruber syndrome. Also called: Dysencephalia splachnocystica; DYSENCEPHALIA SPLANCHNOCYSTICA; GRUBER SYNDROME. Identifiers: Orphanet 564, MedGen C0265215, MONDO:0018921.
Joubert syndrome. Also called: CEREBELLOPARENCHYMAL DISORDER IV; JOUBERT-BOLTSHAUSER SYNDROME; Familial aplasia of the vermis. Identifiers: Orphanet 475, MedGen C5979921, MONDO:0018772.
Joubert syndrome 7 (JBTS7). Identifiers: Orphanet 220497, MedGen C1969053, MONDO:0012694, OMIM 611560.

Submissions (2):

Labcorp Genetics (formerly Invitae), Labcorp
Classification: Pathogenic for Joubert syndrome; Meckel-Gruber syndrome. Last evaluated: 2023-10-06. Review status: criteria provided, single submitter. Criteria: Invitae Variant Classification Sherloc (09022015). Collection method: clinical testing. Allele origin: germline.
Comment: This sequence change creates a premature translational stop signal (p.Trp378Glyfs*3) in the RPGRIP1L gene. It is expected to result in an absent or disrupted protein product. Loss-of-function variants in RPGRIP1L are known to be pathogenic (PMID: 17558409). This variant is not present in population databases (gnomAD no frequency). This premature translational stop signal has been observed in individual(s) with Joubert syndrome (PMID: 26092869). ClinVar contains an entry for this variant (Variation ID: 217692). For these reasons, this variant has been classified as Pathogenic.

UW Hindbrain Malformation Research Program, University of Washington
Classification: Pathogenic for Joubert syndrome 7. Last evaluated: 2015-02-23. Review status: criteria provided, single submitter. Criteria: Bachmann-Gagescu et al. (J Med Genet. 2015). Collection method: research. Allele origin: unknown. Affected: yes.

Literature cited by the submitters: PubMed 17558409 (cited by Labcorp Genetics (formerly Invitae), Labcorp); PubMed 26092869 (cited by Labcorp Genetics (formerly Invitae), Labcorp).